The following is an entry in ClinVar:

ClinVar aggregate classification (germline): Uncertain significance (1 of 4 stars; one submission).

Conditions:
TTN-related disorder. Also called: TTN-related disorders; TTN-related condition; TTN-related disease.

gnomAD v4.1: 22 of 1,614,082 alleles (0.0014%); highest among the groups gnomAD compares: African/African-American, 0.023%; no homozygotes.

Submission:

PreventionGenetics, part of Exact Sciences
Classification: Uncertain significance for TTN-related condition. Last evaluated: 2026-01-28. Review status: criteria provided, single submitter. Criteria: ACMG Guidelines, 2015. Collection method: clinical testing. Allele origin: germline.
Comment: The TTN c.868C>T variant is predicted to result in the amino acid substitution p.Pro290Ser. To our knowledge, this variant has not been reported in the literature. This variant is reported in 0.032% of alleles in individuals of African descent in gnomAD. At this time, the clinical significance of this variant is uncertain due to the absence of conclusive functional and genetic evidence.

NM_001267550.2(TTN):c.868C>T (p.Pro290Ser)

Gene: TTN (titin; minus strand). Cytogenetic location: 2q31.2.
Variant type: single nucleotide variant.
Coding change: c.868C>T on transcript NM_001267550.2 (MANE Select); coding-DNA position 868, C replaced by T.
Protein change: p.Pro290Ser; replaces proline 290 with serine.
Molecular consequence: missense variant.
Genome position (GRCh38, 1-based): chr2:178,799,533, G>A on the plus strand (C>T on the coding strand, the complement: TTN is on the minus strand). VCF-style: chr2-178799533-G-A. GRCh37 (hg19) VCF-style: chr2-179664260-G-A.
Other names: c.868C>T, p.Pro290Ser (NM_001256850.1, NM_003319.4, NM_133378.4 and 3 more transcripts); short protein forms P290S.
Identifiers: ClinVar variation 4992354 (VCV004992354.1).